The following is an entry in ClinVar:

NM_002074.5(GNB1):c.352G>T (p.Asp118Tyr)

Gene: GNB1 (G protein subunit beta 1; minus strand). Cytogenetic location: 1p36.33.
Variant type: single nucleotide variant.
Coding change: c.352G>T on transcript NM_002074.5 (MANE Select); coding-DNA position 352, G replaced by T.
Protein change: p.Asp118Tyr; replaces aspartic acid 118 with tyrosine.
Molecular consequence: missense variant.
Genome position (GRCh38, 1-based): chr1:1,804,497, C>A on the plus strand (G>T on the coding strand, the complement: GNB1 is on the minus strand). VCF-style: chr1-1804497-C-A. GRCh37 (hg19) VCF-style: chr1-1735936-C-A.
Other names: c.52G>T, p.Asp18Tyr (NM_001282538.2); c.352G>T, p.Asp118Tyr (NM_001282539.2); short protein forms D118Y, D18Y.
Identifiers: ClinVar variation 812755 (VCV000812755.38), dbSNP rs1570640673, ClinGen allele CA337914782.
Genomic context (GRCh38, chr1:1,804,497, plus strand): 5'-CACGACTCACGCGCACGTTCCCCTCACGAGTTTTCAGATTGTAAATGGAGCAAATGTTAT[C>A]CAGGCCACCGCAGGCCACATAGTTCCCAGAAGGGGCATATGCACAGGTCATGACCCAGGA-3'
Protein context (NP_002065.1, residues 108-128): SGNYVACGGL[Asp118Tyr]NICSIYNLKT

ClinVar aggregate classification (germline): Pathogenic. Review status: criteria provided, multiple submitters, no conflicts (2 of 4 stars). 5 submissions from 5 submitters: Pathogenic (3). 2 of the submissions do not count toward it. Last evaluated 2025-02-05.

Conditions:
Dystonic disorder. Also called: Dystonia. Identifiers: MedGen C0013421, MONDO:0003441, HP:0001332.
Atypical behavior. Also called: Behavioral disorders; Behavioral abnormality. Identifiers: MedGen C0004941, HP:0000708.
Intellectual developmental disorder, autosomal dominant 42. Also called: GNB1 Encephalopathy; Intellectual disability, autosomal dominant 42; Global developmental delay-neuro-ophthalmological abnormalities-seizures-intellectual disability syndrome. Identifiers: Orphanet 488613, MedGen C4310774, MONDO:0014855, OMIM 616973.

Submissions (5):

Victorian Clinical Genetics Services, Murdoch Childrens Research Institute
Classification: Pathogenic for Intellectual developmental disorder, autosomal dominant 42. Last evaluated: 2025-02-05. Review status: criteria provided, single submitter. Criteria: ACMG Guidelines, 2015. Collection method: clinical testing. Allele origin: germline. Affected: yes.
Comment: This variant is classified as Pathogenic. Evidence in support of pathogenic classification: Variant is absent from gnomAD (v2, v3 and v4); This variant has moderate previous evidence of pathogenicity in unrelated individuals. This variant has been classified as pathogenic by clinical laboratories in ClinVar, and reported in the literature in individuals with GNB1-related symptoms (PMID: 31034681, 32581362); Other missense variant(s) comparable to the one identified in this case have strong previous evidence for pathogenicity. p.(Asp118Gly) and p.(Asp118His) have been reported in individuals with dystonia, intellectual disability, delayed psychomotor development and speech impairment (PMID: 28087732, 35122616). p.(Asp118Gly) has also been classified as pathogenic by clinical laboratories in ClinVar; Variant is located in a hotspot region or cluster of PATHOGENIC variants (DECIPHER; PMID: 32918542); Missense variant predicted to be damaging by in silico tool(s) or highly conserved with a major amino acid change; Additional information: Variant is predicted to result in a missense amino acid change from aspartic acid to tyrosine; This variant is heterozygous; This gene is associated with autosomal dominant disease; No published segregation evidence has been identified for this variant; No published functional evidence has been identified for this variant; Loss of function is a known mechanism of disease in this gene and is associated with intellectual development disorder, 42 (MIM#616973). However, a dominant-negative disease mechanism has not been excluded for missense variants (PMID: 28087732, 32918542); Variants in this gene are known to have variable expressivity. Phenotypes reported to have variability include epilepsy/seizures and brain abnormalities (PMID: 32918542).

CeGaT Center for Human Genetics Tuebingen
Classification: Pathogenic. Last evaluated: 2022-10-01. Review status: criteria provided, single submitter. Criteria: CeGaT Center For Human Genetics Tuebingen Variant Classification Criteria Version 2. Collection method: clinical testing. Allele origin: germline. Affected: yes. Observed: 1 variant allele.
Comment: GNB1: PS2, PM1, PM2, PM5, PP2, PP3

GeneDx
Classification: Pathogenic. Last evaluated: 2020-05-27. Review status: criteria provided, single submitter. Criteria: GeneDx Variant Classification Process June 2021. Collection method: clinical testing. Allele origin: germline. Affected: yes.
Comment: Not observed in large population cohorts (Lek et al., 2016); In silico analysis supports that this missense variant has a deleterious effect on protein structure/function; This variant is associated with the following publications: (PMID: 32581362, 31034681)

GeneReviews
No classification provided. Condition: Intellectual developmental disorder, autosomal dominant 42. Review status: no classification provided. Collection method: literature only. Allele origin: germline. Not counted in ClinVar's aggregate classification.

NIHR Bioresource Rare Diseases, University of Cambridge
Classification: Likely pathogenic for Atypical behavior; Dystonic disorder. Review status: no assertion criteria provided. Collection method: research. Allele origin: unknown. Affected: yes. Observed: 1 variant allele. Not counted in ClinVar's aggregate classification.

Literature cited by the submitters: PubMed 35122616 (cited by Victorian Clinical Genetics Services, Murdoch Childrens Research Institute); PubMed 32918542 (cited by Victorian Clinical Genetics Services, Murdoch Childrens Research Institute); PubMed 32581362 (cited by Victorian Clinical Genetics Services, Murdoch Childrens Research Institute and NIHR Bioresource Rare Diseases, University of Cambridge); PubMed 28087732 (cited by Victorian Clinical Genetics Services, Murdoch Childrens Research Institute); PubMed 31034681 (cited by Victorian Clinical Genetics Services, Murdoch Childrens Research Institute and GeneReviews); PubMed 32134617 (cited by GeneReviews).